The following is an entry in ClinVar:

NM_014014.5(SNRNP200):c.4123C>T (p.Arg1375Cys)

Gene: SNRNP200 (small nuclear ribonucleoprotein U5 subunit 200; minus strand). Cytogenetic location: 2q11.2.
Variant type: single nucleotide variant.
Coding change: c.4123C>T on transcript NM_014014.5 (MANE Select); coding-DNA position 4123, C replaced by T.
Protein change: p.Arg1375Cys; replaces arginine 1375 with cysteine.
Molecular consequence: missense variant.
Genome position (GRCh38, 1-based): chr2:96,285,221, G>A on the plus strand (C>T on the coding strand, the complement: SNRNP200 is on the minus strand). VCF-style: chr2-96285221-G-A. GRCh37 (hg19) VCF-style: chr2-96950959-G-A.
Other names: short protein forms R1375C.
Identifiers: ClinVar variation 1470707 (VCV001470707.6), dbSNP rs760524917, ClinGen allele CA1778297.

ClinVar aggregate classification (germline): Uncertain significance (1 of 4 stars; one submission).

Allele frequency attached by ClinVar (database versions not stated): gnomAD exomes below 0.00001 and 0.00001; ExAC 0.00001; gnomAD 0.00001; TOPMed 0.00001.
gnomAD v4.1: 4 of 1,613,966 alleles (0.00025%); highest among the groups gnomAD compares: Admixed American, 0.005%; no homozygotes.

Submission:

Labcorp Genetics (formerly Invitae), Labcorp
Classification: Uncertain significance. Last evaluated: 2024-09-12. Review status: criteria provided, single submitter. Criteria: Invitae Variant Classification Sherloc (09022015). Collection method: clinical testing. Allele origin: germline.
Comment: This sequence change replaces arginine, which is basic and polar, with cysteine, which is neutral and slightly polar, at codon 1375 of the SNRNP200 protein (p.Arg1375Cys). This variant is present in population databases (rs760524917, gnomAD 0.006%). This variant has not been reported in the literature in individuals affected with SNRNP200-related conditions. ClinVar contains an entry for this variant (Variation ID: 1470707). Invitae Evidence Modeling of protein sequence and biophysical properties (such as structural, functional, and spatial information, amino acid conservation, physicochemical variation, residue mobility, and thermodynamic stability) indicates that this missense variant is expected to disrupt SNRNP200 protein function with a positive predictive value of 80%. In summary, the available evidence is currently insufficient to determine the role of this variant in disease. Therefore, it has been classified as a Variant of Uncertain Significance.